The following is an entry in ClinVar:

ClinVar aggregate classification (germline): Likely benign (0 of 4 stars; one submission).

Conditions:
INPP5E-related disorder. Also called: INPP5E-related condition.

Submission:

PreventionGenetics, part of Exact Sciences
Classification: Likely benign for INPP5E-related condition. Last evaluated: 2022-03-10. Review status: no assertion criteria provided. Collection method: clinical testing. Allele origin: germline.
Comment: This variant is classified as likely benign based on ACMG/AMP sequence variant interpretation guidelines (Richards et al. 2015 PMID: 25741868, with internal and published modifications).

NM_019892.6(INPP5E):c.1550-21C>G

Gene: INPP5E (inositol polyphosphate-5-phosphatase E; minus strand). Cytogenetic location: 9q34.3.
Variant type: single nucleotide variant.
Coding change: c.1550-21C>G on transcript NM_019892.6 (MANE Select); 21 bases into the intron before coding-DNA position 1550, C replaced by G.
Molecular consequence: intron variant.
Genome position (GRCh38, 1-based): chr9:136,431,138, G>C on the plus strand (C>G on the coding strand, the complement: INPP5E is on the minus strand). VCF-style: chr9-136431138-G-C. GRCh37 (hg19) VCF-style: chr9-139325590-G-C.
Other names: c.1547-21C>G (NM_001318502.2).
Identifiers: ClinVar variation 3351212 (VCV003351212.1).